The following is an entry in ClinVar:

NM_001001331.4(ATP2B2):c.2369G>A (p.Arg790His)

Gene: ATP2B2 (ATPase plasma membrane Ca2+ transporting 2; minus strand). Cytogenetic location: 3p25.3.
Variant type: single nucleotide variant.
Coding change: c.2369G>A on transcript NM_001001331.4 (MANE Select); coding-DNA position 2369, G replaced by A.
Protein change: p.Arg790His; replaces arginine 790 with histidine.
Molecular consequence: missense variant.
Genome position (GRCh38, 1-based): chr3:10,350,147, C>T on the plus strand (G>A on the coding strand, the complement: ATP2B2 is on the minus strand). VCF-style: chr3-10350147-C-T. GRCh37 (hg19) VCF-style: chr3-10391831-C-T.
Other names: c.2234G>A, p.Arg745His (NM_001330611.3, NM_001353564.1, NM_001363862.1 and 1 more transcripts); short protein forms R790H, R745H.
Identifiers: ClinVar variation 3680456 (VCV003680456.2).

ClinVar aggregate classification (germline): Uncertain significance (1 of 4 stars; one submission).

gnomAD v4.1: 1 of 1,612,412 alleles (0.000062%); highest among the groups gnomAD compares: Non-Finnish European, 0.000085%; no homozygotes.

Submission:

Labcorp Genetics (formerly Invitae), Labcorp
Classification: Uncertain significance. Last evaluated: 2024-11-18. Review status: criteria provided, single submitter. Criteria: Invitae Variant Classification Sherloc (09022015). Collection method: clinical testing. Allele origin: germline.
Comment: This sequence change replaces arginine, which is basic and polar, with histidine, which is basic and polar, at codon 745 of the ATP2B2 protein (p.Arg745His). This variant is not present in population databases (gnomAD no frequency). This variant has not been reported in the literature in individuals affected with ATP2B2-related conditions. Invitae Evidence Modeling of protein sequence and biophysical properties (such as structural, functional, and spatial information, amino acid conservation, physicochemical variation, residue mobility, and thermodynamic stability) indicates that this missense variant is expected to disrupt ATP2B2 protein function with a positive predictive value of 80%. In summary, the available evidence is currently insufficient to determine the role of this variant in disease. Therefore, it has been classified as a Variant of Uncertain Significance.